The following is an entry in ClinVar:

NM_018089.3(ANKZF1):c.1204+3T>G

Gene: ANKZF1 (ankyrin repeat and zinc finger peptidyl tRNA hydrolase 1; plus strand). Cytogenetic location: 2q35.
Variant type: single nucleotide variant.
Coding change: c.1204+3T>G on transcript NM_018089.3 (MANE Select); 3 bases into the intron after coding-DNA position 1204, T replaced by G.
Molecular consequence: intron variant.
Genome position (GRCh38, 1-based): chr2:219,234,291, T>G. VCF-style: chr2-219234291-T-G. GRCh37 (hg19) VCF-style: chr2-220099013-T-G.
Other names: c.1204+3T>G (NM_001042410.2); c.574+3T>G (NM_001282792.2).
Identifiers: ClinVar variation 2871980 (VCV002871980.3), dbSNP rs1449113817, ClinGen allele CA539632218.

ClinVar aggregate classification (germline): Uncertain significance (1 of 4 stars; one submission).

Allele frequency attached by ClinVar (database versions not stated): TOPMed below 0.00001; gnomAD exomes 0.00001.
gnomAD v4.1: 15 of 1,613,870 alleles (0.00093%); highest among the groups gnomAD compares: Non-Finnish European, 0.0013%; no homozygotes.

Submission:

Labcorp Genetics (formerly Invitae), Labcorp
Classification: Uncertain significance. Last evaluated: 2024-05-06. Review status: criteria provided, single submitter. Criteria: Invitae Variant Classification Sherloc (09022015). Collection method: clinical testing. Allele origin: germline.
Comment: This sequence change falls in intron 9 of the ANKZF1 gene. It does not directly change the encoded amino acid sequence of the ANKZF1 protein. It affects a nucleotide within the consensus splice site. This variant is present in population databases (no rsID available, gnomAD 0.0009%). This variant has not been reported in the literature in individuals affected with ANKZF1-related conditions. Variants that disrupt the consensus splice site are a relatively common cause of aberrant splicing (PMID: 17576681, 9536098). Algorithms developed to predict the effect of sequence changes on RNA splicing suggest that this variant is not likely to affect RNA splicing. In summary, the available evidence is currently insufficient to determine the role of this variant in disease. Therefore, it has been classified as a Variant of Uncertain Significance.

Literature cited by the submitters: PubMed 17576681; PubMed 9536098.